The following is an entry in ClinVar:

NM_032977.4(CASP10):c.*1593T>C

Gene: CASP10 (caspase 10; plus strand). Cytogenetic location: 2q33.1.
Variant type: single nucleotide variant.
Coding change: c.*1593T>C on transcript NM_032977.4 (MANE Select); 1593 bases downstream of the stop codon, T replaced by C.
Molecular consequence: 3 prime UTR variant. On other transcripts: intron variant (2).
Genome position (GRCh38, 1-based): chr2:201,219,334, T>C. VCF-style: chr2-201219334-T-C. GRCh37 (hg19) VCF-style: chr2-202084057-T-C.
Other names: c.*1593T>C (NM_001206524.2, NM_001230.5); c.*2248T>C (NM_032976.4); c.1416-9599T>C (NM_032974.5); c.1287-9599T>C (NM_001206542.2).
Identifiers: ClinVar variation 333465 (VCV000333465.5), dbSNP rs564618271, ClinGen allele CA10612361.
Genomic context (GRCh38, chr2:201,219,334, plus strand): 5'-AAAAATTCAATATTGGGGTTGGAACATTTCAGTTGCCATTGACAGAACACCCAATTCAAA[T>C]TGACTGAAGCAAAGAAGGGAATTTATTGCCTCTTTCACATTGAAACCCAGGAGTGGATAA-3'

ClinVar aggregate classification (germline): Benign (1 of 4 stars; one submission).

Conditions:
Autoimmune lymphoproliferative syndrome type 2A (ALPS2A). Also called: CASP10-Related Autoimmune Lymphoproliferative Syndrome; AUTOIMMUNE LYMPHOPROLIFERATIVE SYNDROME, TYPE IIA; Autoimmune lymphoproliferative syndrome type 2. Identifiers: Orphanet 3261, MedGen C1858968, MONDO:0011383, OMIM 603909.

Allele frequency attached by ClinVar (database versions not stated): TOPMed 0.00230; 1000 Genomes Project 30x 0.00281; gnomAD 0.00307 and 0.00316; 1000 Genomes Project 0.00339; gnomAD exomes 0.00382.
gnomAD v4.1: 2,147 of 591,228 alleles (0.36%); highest among the groups gnomAD compares: South Asian, 0.79%; 6 homozygotes.

Submission:

Illumina Laboratory Services, Illumina
Classification: Benign for Autoimmune lymphoproliferative syndrome type 2A. Last evaluated: 2018-01-13. Review status: criteria provided, single submitter. Criteria: ICSL Variant Classification Criteria 13 December 2019. Collection method: clinical testing. Allele origin: germline.
Comment: This variant was observed in the ICSL laboratory as part of a predisposition screen in an ostensibly healthy population. It had not been previously curated by ICSL or reported in the Human Gene Mutation Database (HGMD: prior to June 1st, 2018), and was therefore a candidate for classification through an automated scoring system. Utilizing variant allele frequency, disease prevalence and penetrance estimates, and inheritance mode, an automated score was calculated to assess if this variant is too frequent to cause the disease. Based on the score and internal cut-off values, a variant classified as benign is not then subjected to further curation. The score for this variant resulted in a classification of benign for this disease.